The following is an entry in ClinVar:

ClinVar aggregate classification (germline): Uncertain significance (1 of 4 stars; one submission).

gnomAD v4.1: 2 of 1,613,092 alleles (0.00012%); highest among the groups gnomAD compares: Non-Finnish European, 0.00017%; no homozygotes.

Submission:

Labcorp Genetics (formerly Invitae), Labcorp
Classification: Uncertain significance. Last evaluated: 2024-05-27. Review status: criteria provided, single submitter. Criteria: Invitae Variant Classification Sherloc (09022015). Collection method: clinical testing. Allele origin: germline.
Comment: This sequence change replaces valine, which is neutral and non-polar, with methionine, which is neutral and non-polar, at codon 34 of the COL11A2 protein (p.Val34Met). This variant is not present in population databases (gnomAD no frequency). This variant has not been reported in the literature in individuals affected with COL11A2-related conditions. Advanced modeling of protein sequence and biophysical properties (such as structural, functional, and spatial information, amino acid conservation, physicochemical variation, residue mobility, and thermodynamic stability) performed at Invitae indicates that this missense variant is not expected to disrupt COL11A2 protein function with a negative predictive value of 95%. In summary, the available evidence is currently insufficient to determine the role of this variant in disease. Therefore, it has been classified as a Variant of Uncertain Significance.

NM_080680.3(COL11A2):c.100G>A (p.Val34Met)

Gene: COL11A2 (collagen type XI alpha 2 chain; minus strand). Cytogenetic location: 6p21.32.
Variant type: single nucleotide variant.
Coding change: c.100G>A on transcript NM_080680.3 (MANE Select); coding-DNA position 100, G replaced by A.
Protein change: p.Val34Met; replaces valine 34 with methionine.
Molecular consequence: missense variant. On other transcripts: 5 prime UTR variant (3), non-coding transcript variant (1).
Genome position (GRCh38, 1-based): chr6:33,189,452, C>T on the plus strand (G>A on the coding strand, the complement: COL11A2 is on the minus strand). VCF-style: chr6-33189452-C-T. GRCh37 (hg19) VCF-style: chr6-33157229-C-T.
Other names: c.100G>A, p.Val34Met (NM_001163771.2, NM_001424108.1, NM_080679.3 and 1 more transcripts); c.-747G>A (NM_001424109.1, NM_001424110.1, NM_001424111.1); short protein forms V34M.
Identifiers: ClinVar variation 3635269 (VCV003635269.2).